The following is an entry in ClinVar:

ClinVar aggregate classification (germline): Uncertain significance (1 of 4 stars; one submission).

Conditions:
Hereditary breast ovarian cancer syndrome. Also called: Hereditary breast and ovarian cancer syndrome (HBOC); Hereditary breast and ovarian cancer; Breast and ovarian cancer; Hereditary breast and/or ovarian cancer syndrome; BRCA1- and BRCA2-Associated Hereditary Breast and Ovarian Cancer; Hereditary breast and ovarian cancer syndrome. Identifiers: Orphanet 145, MedGen C0677776, MeSH D061325, MONDO:0003582. Disease mechanism: loss of function.

Submission:

Labcorp Genetics (formerly Invitae), Labcorp
Classification: Uncertain significance for Hereditary breast ovarian cancer syndrome. Last evaluated: 2025-11-13. Review status: criteria provided, single submitter. Criteria: Invitae Variant Classification Sherloc (09022015). Collection method: clinical testing. Allele origin: germline.
Comment: This sequence change replaces glutamine, which is neutral and polar, with leucine, which is neutral and non-polar, at codon 347 of the BRCA2 protein (p.Gln347Leu). This variant is not present in population databases (gnomAD no frequency). This variant has not been reported in the literature in individuals affected with BRCA2-related conditions. Invitae Evidence Modeling of protein sequence and biophysical properties (such as structural, functional, and spatial information, amino acid conservation, physicochemical variation, residue mobility, and thermodynamic stability) indicates that this missense variant is not expected to disrupt BRCA2 protein function with a negative predictive value of 95%. In summary, the available evidence is currently insufficient to determine the role of this variant in disease. Therefore, it has been classified as a Variant of Uncertain Significance.

NM_000059.4(BRCA2):c.1040A>T (p.Gln347Leu)

Gene: BRCA2 (BRCA2 DNA repair associated; plus strand). Cytogenetic location: 13q13.1.
Variant type: single nucleotide variant.
Coding change: c.1040A>T on transcript NM_000059.4 (MANE Select); coding-DNA position 1040, A replaced by T.
Protein change: p.Gln347Leu; replaces glutamine 347 with leucine.
Molecular consequence: missense variant. On other transcripts: non-coding transcript variant (1), intron variant (1).
Genome position (GRCh38, 1-based): chr13:32,332,518, A>T. VCF-style: chr13-32332518-A-T. GRCh37 (hg19) VCF-style: chr13-32906655-A-T.
Other names: c.1040A>T, p.Gln347Leu (NM_001406719.1, NM_001406720.1, NM_001406721.1 and 1 more transcripts); c.424+1488A>T (NM_001406722.1); short protein forms Q347L.
Identifiers: ClinVar variation 4802274 (VCV004802274.1).